The following is an entry in ClinVar:

ClinVar aggregate classification (germline): Uncertain significance (1 of 4 stars; one submission).

Conditions:
Familial intrahepatic cholestasis. Identifiers: Orphanet 284385, MedGen CN296401, MONDO:0017290.

Submission:

Genomenon, Inc
Classification: Uncertain significance for Familial intrahepatic cholestasis. Last evaluated: 2026-04-14. Review status: criteria provided, single submitter. Criteria: Genomenon Sequence Variant Interpretation Standards - Updated. Collection method: curation. Allele origin: germline. Affected: yes.
Comment: ATP8B1 p.Leu294Ser (c.881T>C) is a missense variant that changes the amino acid at residue 294 from Leucine to Serine. This variant has been observed in at least one proband with features of ATP8B1-deficiency (PMID:28733223). It is absent or not present at a significant frequency in gnomAD. In silico models predict that this variant is possibly or probably damaging. In conclusion, we classify ATP8B1 p.Leu294Ser (c.881T>C) as a variant of uncertain significance.

Literature cited by the submitters: PubMed 28733223.

NM_001374385.1(ATP8B1):c.881T>C (p.Leu294Ser)

Gene: ATP8B1 (ATPase phospholipid transporting 8B1; minus strand). Cytogenetic location: 18q21.31.
Variant type: single nucleotide variant.
Coding change: c.881T>C on transcript NM_001374385.1 (MANE Select); coding-DNA position 881, T replaced by C.
Protein change: p.Leu294Ser; replaces leucine 294 with serine.
Molecular consequence: missense variant.
Genome position (GRCh38, 1-based): chr18:57,695,230, A>G on the plus strand (T>C on the coding strand, the complement: ATP8B1 is on the minus strand). VCF-style: chr18-57695230-A-G. GRCh37 (hg19) VCF-style: chr18-55362462-A-G.
Other names: c.731T>C, p.Leu244Ser (NM_001374386.1); c.881T>C, p.Leu294Ser (NM_005603.6); short protein forms L244S, L294S.
Identifiers: ClinVar variation 4846253 (VCV004846253.1).